The following is an entry in ClinVar:

NM_002878.4(RAD51D):c.228G>T (p.Lys76Asn)

Genes: RAD51L3-RFFL (RAD51L3-RFFL readthrough; minus strand), RAD51D (RAD51 paralog D; minus strand). Cytogenetic location: 17q12.
Variant type: single nucleotide variant.
Coding change: c.228G>T on transcript NM_002878.4 (MANE Select); coding-DNA position 228, G replaced by T.
Protein change: p.Lys76Asn; replaces lysine 76 with asparagine.
Molecular consequence: missense variant. On other transcripts: intron variant (2).
Genome position (GRCh38, 1-based): chr17:35,118,536, C>A on the plus strand (G>T on the coding strand, the complement: RAD51D is on the minus strand). VCF-style: chr17-35118536-C-A. GRCh37 (hg19) VCF-style: chr17-33445555-C-A.
Other names: c.144+575G>T (NM_133629.3, NM_001142571.2); short protein forms K76N.
Identifiers: ClinVar variation 1789085 (VCV001789085.2), dbSNP rs2142473914, ClinGen allele CA399091240.

ClinVar aggregate classification (germline): Uncertain significance (1 of 4 stars; one submission).

Conditions:
Hereditary cancer-predisposing syndrome. Also called: Hereditary Cancer Syndrome; Hereditary neoplastic syndrome; Tumor predisposition; Neoplastic Syndromes, Hereditary. Identifiers: Orphanet 140162, MedGen C0027672, MeSH D009386, MONDO:0015356.

Submission:

Ambry Genetics
Classification: Uncertain significance for Hereditary cancer-predisposing syndrome. Last evaluated: 2021-09-21. Review status: criteria provided, single submitter. Criteria: Ambry Variant Classification Scheme 2023. Collection method: clinical testing. Allele origin: germline.
Comment: The p.K76N variant (also known as c.228G>T), located in coding exon 3 of the RAD51D gene, results from a G to T substitution at nucleotide position 228. The lysine at codon 76 is replaced by asparagine, an amino acid with similar properties. This amino acid position is conserved. In addition, this alteration is predicted to be tolerated by in silico analysis. Since supporting evidence is limited at this time, the clinical significance of this alteration remains unclear.